The following is an entry in ClinVar:

ClinVar aggregate classification (germline): Likely benign (1 of 4 stars; one submission).

gnomAD v4.1: 28 of 1,597,074 alleles (0.0018%); highest among the groups gnomAD compares: Non-Finnish European, 0.00093%; no homozygotes.

Submission:

CeGaT Center for Human Genetics Tuebingen
Classification: Likely benign. Last evaluated: 2025-03-01. Review status: criteria provided, single submitter. Criteria: CeGaT Center For Human Genetics Tuebingen Variant Classification Criteria Version 2. Collection method: clinical testing. Allele origin: germline. Affected: yes. Observed: 1 variant allele.
Comment: AGRN: BP4, BP7

NM_198576.4(AGRN):c.4425T>A (p.Pro1475=)

Gene: AGRN (agrin; plus strand). Cytogenetic location: 1p36.33.
Variant type: single nucleotide variant.
Coding change: c.4425T>A on transcript NM_198576.4 (MANE Select); coding-DNA position 4425, T replaced by A.
Protein change: p.Pro1475=; no amino-acid change (proline 1475 retained).
Molecular consequence: synonymous variant.
Genome position (GRCh38, 1-based): chr1:1,049,362, T>A. VCF-style: chr1-1049362-T-A. GRCh37 (hg19) VCF-style: chr1-984742-T-A.
Other names: c.4425T>A, p.Pro1475= (NM_001305275.2); c.4110T>A, p.Pro1370= (NM_001364727.2).
Identifiers: ClinVar variation 3778307 (VCV003778307.7).